The following is an entry in ClinVar:

NM_001040142.2(SCN2A):c.4451_4454del (p.Gly1484fs)

Gene: SCN2A (sodium voltage-gated channel alpha subunit 2; plus strand). Cytogenetic location: 2q24.3.
Variant type: Deletion.
Coding change: c.4451_4454del on transcript NM_001040142.2 (MANE Select); coding-DNA positions 4451 to 4454, 4 bases deleted (GAGG; older notation c.4451_4454delGAGG).
Protein change: p.Gly1484fs; shifts the reading frame from glycine 1484.
Molecular consequence: frameshift variant.
Genome position (GRCh38, 1-based): chr2:165,381,097-165,381,100, GAGG deleted; deleting any 4 consecutive bases within chr2:165,381,096-165,381,100 gives the same sequence; the c. name uses the placement nearest the transcript's 3' end. VCF-style (leftmost placement, unchanged base first): chr2-165381095-TGGAG-T. GRCh37 (hg19) VCF-style: chr2-166237605-TGGAG-T.
Other names: c.4451_4454del, p.Gly1484fs (NM_001040143.2, NM_001371246.1, NM_001371247.1 and 1 more transcripts); short protein forms G1484fs.
Identifiers: ClinVar variation 2951958 (VCV002951958.3), dbSNP rs2468129330, ClinGen allele CA2740095817.

ClinVar aggregate classification (germline): Pathogenic (1 of 4 stars; one submission).

Conditions:
Developmental and epileptic encephalopathy, 11 (DEE11). Also called: Early infantile epileptic encephalopathy 11. Identifiers: Orphanet 1934, MedGen C3150987, MONDO:0013388, OMIM 613721.
Seizures, benign familial infantile, 3 (BFIS3). Also called: Familial neonatal seizures; CONVULSIONS, BENIGN FAMILIAL INFANTILE, 3. Identifiers: Orphanet 140927, Orphanet 306, MedGen C1843140, MONDO:0011904, OMIM 607745.

Submission:

Labcorp Genetics (formerly Invitae), Labcorp
Classification: Pathogenic for Seizures, benign familial infantile, 3; Developmental and epileptic encephalopathy, 11. Last evaluated: 2023-09-25. Review status: criteria provided, single submitter. Criteria: Invitae Variant Classification Sherloc (09022015). Collection method: clinical testing. Allele origin: germline.
Comment: This sequence change creates a premature translational stop signal (p.Gly1484Valfs*6) in the SCN2A gene. It is expected to result in an absent or disrupted protein product. Loss-of-function variants in SCN2A are known to be pathogenic (PMID: 28379373). This variant is not present in population databases (gnomAD no frequency). This variant has not been reported in the literature in individuals affected with SCN2A-related conditions. Algorithms developed to predict the effect of sequence changes on RNA splicing suggest that this variant may disrupt the consensus splice site. For these reasons, this variant has been classified as Pathogenic.

Literature cited by the submitters: PubMed 28379373.